The following is an entry in ClinVar:

ClinVar aggregate classification (germline): Uncertain significance. Review status: criteria provided, multiple submitters, no conflicts (2 of 4 stars). 4 submissions from 4 submitters: Uncertain significance (4). Last evaluated 2024-06-02.

Conditions:
Autosomal recessive spinocerebellar ataxia 2. Also called: CEREBELLAR GRANULAR CELL HYPOPLASIA AND MENTAL RETARDATION, CONGENITAL; CEREBELLAR HYPOPLASIA, NONPROGRESSIVE NORMAN TYPE; CEREBELLOPARENCHYMAL DISORDER III; CPD III. Identifiers: Orphanet 1170, MedGen C1859298, MONDO:0008943, OMIM 213200.

Allele frequency attached by ClinVar (database versions not stated): gnomAD exomes below 0.00001.

Submissions (4):

Labcorp Genetics (formerly Invitae), Labcorp
Classification: Uncertain significance. Last evaluated: 2024-06-02. Review status: criteria provided, single submitter. Criteria: Invitae Variant Classification Sherloc (09022015). Collection method: clinical testing. Allele origin: germline.
Comment: This sequence change replaces valine, which is neutral and non-polar, with methionine, which is neutral and non-polar, at codon 367 of the PMPCA protein (p.Val367Met). This variant is present in population databases (no rsID available, gnomAD 0.0009%). This missense change has been observed in individual(s) with clinical features of PMPCA-related conditions (external communication). It has also been observed to segregate with disease in related individuals. ClinVar contains an entry for this variant (Variation ID: 2435094). Advanced modeling of protein sequence and biophysical properties (such as structural, functional, and spatial information, amino acid conservation, physicochemical variation, residue mobility, and thermodynamic stability) performed at Invitae indicates that this missense variant is expected to disrupt PMPCA protein function with a positive predictive value of 80%. In summary, the available evidence is currently insufficient to determine the role of this variant in disease. Therefore, it has been classified as a Variant of Uncertain Significance.

GeneDx
Classification: Uncertain significance. Last evaluated: 2024-05-02. Review status: criteria provided, single submitter. Criteria: GeneDx Variant Classification Process June 2021. Collection method: clinical testing. Allele origin: germline. Affected: yes.
Comment: Not observed at significant frequency in large population cohorts (gnomAD); In silico analysis supports that this missense variant has a deleterious effect on protein structure/function; Has not been previously published as pathogenic or benign to our knowledge

Revvity Omics, Revvity
Classification: Uncertain significance for Autosomal recessive spinocerebellar ataxia 2. Last evaluated: 2021-04-07. Review status: criteria provided, single submitter. Criteria: ACMG Guidelines, 2015. Collection method: clinical testing. Allele origin: germline.

Neuberg Centre For Genomic Medicine, NCGM
Classification: Uncertain significance for Autosomal recessive spinocerebellar ataxia 2. Review status: criteria provided, single submitter. Criteria: ACMG Guidelines, 2015. Collection method: clinical testing. Allele origin: germline. Inheritance: Autosomal recessive inheritance. Affected: yes.
Comment: The missense variant p.V367M in PMPCA (NM_015160.3) has not been reported previously as a pathogenic variant nor as a benign variant, to our knowledge. The p.V367M variant is observed in 1/1,13,622 (0.0009%) alleles from individuals of European (Non-Finnish) background in gnomAD Exomes and is novel (not in any individuals) in 1000 Genomes. The p.V367M missense variant is predicted to be damaging by both SIFT and PolyPhen2.The valine residue at codon 367 of PMPCA is conserved in all mammalian species. The nucleotide c.1099 in PMPCA is predicted conserved by GERP++ and PhyloP across 100 vertebrates. For these reasons, this variant has been classified as Uncertain Significance.

NM_015160.3(PMPCA):c.1099G>A (p.Val367Met)

Gene: PMPCA (peptidase, mitochondrial processing subunit alpha; plus strand). Cytogenetic location: 9q34.3.
Variant type: single nucleotide variant.
Coding change: c.1099G>A on transcript NM_015160.3 (MANE Select); coding-DNA position 1099, G replaced by A.
Protein change: p.Val367Met; replaces valine 367 with methionine.
Molecular consequence: missense variant.
Genome position (GRCh38, 1-based): chr9:136,418,663, G>A. VCF-style: chr9-136418663-G-A. GRCh37 (hg19) VCF-style: chr9-139313115-G-A.
Other names: c.1099G>A (NM_015160.2); c.706G>A, p.Val236Met (NM_001282944.2); c.799G>A, p.Val267Met (NM_001282946.2); short protein forms V236M, V267M, V367M.
Identifiers: ClinVar variation 2435094 (VCV002435094.7), dbSNP rs1461274243, ClinGen allele CA375555886.